The following is an entry in ClinVar:

ClinVar aggregate classification (germline): Uncertain significance (1 of 4 stars; one submission).

Conditions:
Cardiovascular phenotype. Identifiers: MedGen CN230736.

Submission:

Ambry Genetics
Classification: Uncertain significance for Cardiovascular phenotype. Last evaluated: 2024-11-30. Review status: criteria provided, single submitter. Criteria: Ambry Variant Classification Scheme 2023. Collection method: clinical testing. Allele origin: germline.
Comment: The p.F4443L variant (also known as c.13327T>C), located in coding exon 29 of the APOB gene, results from a T to C substitution at nucleotide position 13327. The phenylalanine at codon 4443 is replaced by leucine, an amino acid with highly similar properties. This amino acid position is conserved. In addition, this alteration is predicted to be tolerated by in silico analysis. Based on the available evidence, the clinical significance of this variant remains unclear.

NM_000384.3(APOB):c.13327T>C (p.Phe4443Leu)

Gene: APOB (apolipoprotein B; minus strand). Cytogenetic location: 2p24.1.
Variant type: single nucleotide variant.
Coding change: c.13327T>C on transcript NM_000384.3 (MANE Select); coding-DNA position 13327, T replaced by C.
Protein change: p.Phe4443Leu; replaces phenylalanine 4443 with leucine.
Molecular consequence: missense variant.
Genome position (GRCh38, 1-based): chr2:21,002,095, A>G on the plus strand (T>C on the coding strand, the complement: APOB is on the minus strand). VCF-style: chr2-21002095-A-G. GRCh37 (hg19) VCF-style: chr2-21224967-A-G.
Other names: short protein forms F4443L.
Identifiers: ClinVar variation 3416429 (VCV003416429.1).
Genomic context (GRCh38, chr2:21,002,095, plus strand): 5'-TCCCTTTTCCATCTGGATCGGTAAGGATGCTAAGATATTCCTGAATATTTCTGTGCAGAA[A>G]TTGCTCAACTTGACTTGAGAGTTGGGAAGTAAAGTTAGAGGCACTGACAATATATTCAGA-3'
Protein context (NP_000375.3, residues 4433-4453): TSQLSSQVEQ[Phe4443Leu]LHRNIQEYLS